The following is an entry in ClinVar:

NM_001005242.3(PKP2):c.951G>A (p.Ala317=)

Gene: PKP2 (plakophilin 2; minus strand). Cytogenetic location: 12p11.21.
Variant type: single nucleotide variant.
Coding change: c.951G>A on transcript NM_001005242.3 (MANE Select); coding-DNA position 951, G replaced by A.
Protein change: p.Ala317=; no amino-acid change (alanine 317 retained).
Molecular consequence: synonymous variant.
Genome position (GRCh38, 1-based): chr12:32,877,929, C>T on the plus strand (G>A on the coding strand, the complement: PKP2 is on the minus strand). VCF-style: chr12-32877929-C-T. GRCh37 (hg19) VCF-style: chr12-33030863-C-T.
Other names: p.Ala317=; c.951G>A, p.Ala317= (NM_004572.4); c.951G>A (NM_001005242.2).
Identifiers: ClinVar variation 45090 (VCV000045090.52), dbSNP rs61729382, ClinGen allele CA012585.

ClinVar aggregate classification (germline): Benign/Likely benign. Review status: criteria provided, multiple submitters, no conflicts (2 of 4 stars). 13 submissions from 13 submitters: Benign (7); Likely benign (4). 2 of the submissions do not count toward it. Last evaluated 2026-09-01.

Conditions:
Arrhythmogenic right ventricular cardiomyopathy (ARVD). Also called: Arrhythmogenic Right Ventricular Cardiomyopathy (ARVC); Cardiomyopathy, ARVC; Arrhythmogenic right ventricular dysplasia; Arrhythmogenic cardiomyopathy. Identifiers: Orphanet 247, MedGen C0349788, MeSH D019571, MONDO:0016587. Disease mechanism: loss of function. Inheritance: Various modes of inheritance.
Cardiomyopathy (CMYO). Also called: Cardiomyopathies. Identifiers: Orphanet 167848, MedGen C0878544, MONDO:0004994, HP:0001638. Inheritance: Various modes of inheritance.
Arrhythmogenic right ventricular dysplasia 9 (ARVD9). Also called: Arrhythmogenic Right Ventricular Dysplasia/Cardiomyopathy 9; ARRHYTHMOGENIC RIGHT VENTRICULAR DYSPLASIA, FAMILIAL, 9. Identifiers: MedGen C1836906, MONDO:0012180, OMIM 609040.

Allele frequency attached by ClinVar (database versions not stated): ExAC 0.00070; 1000 Genomes Project 30x 0.00250; gnomAD 0.00195 and 0.00187; TOPMed 0.00207; 1000 Genomes Project 0.00240; ESP Exome Variant Server 0.00308.
gnomAD v4.1: 566 of 1,614,142 alleles (0.035%); highest among the groups gnomAD compares: African/African-American, 0.67%; 3 homozygotes.

Submissions (13):

CeGaT Center for Human Genetics Tuebingen
Classification: Likely benign. Last evaluated: 2026-09-01. Review status: criteria provided, single submitter. Criteria: CeGaT Center For Human Genetics Tuebingen Variant Classification Criteria Version 2. Collection method: clinical testing. Allele origin: germline. Affected: yes. Observed: 3 variant alleles.
Comment: PKP2: BP4, BP7, BS1

Labcorp Genetics (formerly Invitae), Labcorp
Classification: Benign for Arrhythmogenic right ventricular dysplasia 9. Last evaluated: 2026-02-03. Review status: criteria provided, single submitter. Criteria: Invitae Variant Classification Sherloc (09022015). Collection method: clinical testing. Allele origin: germline.

Mayo Clinic Laboratories, Mayo Clinic
Classification: Likely benign. Last evaluated: 2025-06-12. Review status: criteria provided, single submitter. Criteria: ACMG Guidelines, 2015. Collection method: clinical testing. Allele origin: germline. Observed: 7 variant alleles.
Comment: BS1

Molecular Diagnostic Laboratory for Inherited Cardiovascular Disease, Montreal Heart Institute
Classification: Benign. Last evaluated: 2025-04-09. Review status: criteria provided, single submitter. Criteria: ACMG Guidelines, 2015. Collection method: clinical testing. Allele origin: germline. Affected: no.
Comment: BS1;BP6;BP7

Blueprint Genetics
Classification: Likely benign. Last evaluated: 2024-10-09. Review status: criteria provided, single submitter. Criteria: ACMG Guidelines, 2015. Collection method: clinical testing. Allele origin: germline.

All of Us Research Program, National Institutes of Health
Classification: Benign for Arrhythmogenic right ventricular cardiomyopathy. Last evaluated: 2024-02-05. Review status: criteria provided, single submitter. Criteria: ACMG Guidelines, 2015. Collection method: clinical testing. Allele origin: germline. Inheritance: Autosomal dominant inheritance. Observed: 103 variant alleles, 102 heterozygotes, 1 homozygote.
Comment: This study involves interpretation of variants in research participants for the purpose of population health screening. Participant phenotype was not available at the time of variant classification. Additional details can be found in publication PMID: 35346344, PMCID: PMC8962531

Color Diagnostics, LLC DBA Color Health
Classification: Benign for Cardiomyopathy. Last evaluated: 2018-11-25. Review status: criteria provided, single submitter. Criteria: ACMG Guidelines, 2015. Collection method: clinical testing. Allele origin: germline.

Illumina Laboratory Services, Illumina
Classification: Likely benign for Arrhythmogenic right ventricular dysplasia 9. Last evaluated: 2018-01-13. Review status: criteria provided, single submitter. Criteria: ICSL Variant Classification Criteria 13 December 2019. Collection method: clinical testing. Allele origin: germline.
Comment: This variant was observed in the ICSL laboratory as part of a predisposition screen in an ostensibly healthy population. It had not been previously curated by ICSL or reported in the Human Gene Mutation Database (HGMD: prior to June 1st, 2018), and was therefore a candidate for classification through an automated scoring system. Utilizing variant allele frequency, disease prevalence and penetrance estimates, and inheritance mode, an automated score was calculated to assess if this variant is too frequent to cause the disease. Based on the score and internal cut-off values, a variant classified as likely benign is not then subjected to further curation. The score for this variant resulted in a classification of likely benign for this disease.

Clinical Genetics DNA and cytogenetics Diagnostics Lab, Erasmus MC, Erasmus Medical Center
Classification: Benign for Arrhythmogenic right ventricular dysplasia 9. Last evaluated: 2015-09-21. Review status: criteria provided, single submitter. Criteria: ACGS Guidelines, 2013. Collection method: clinical testing. Allele origin: germline. Affected: yes. Study: VKGL Data-share Consensus.

GeneDx
Classification: Benign. Last evaluated: 2015-08-12. Review status: criteria provided, single submitter. Criteria: GeneDx Variant Classification (06012015). Collection method: clinical testing. Allele origin: germline. Affected: yes.
Comment: This variant is considered likely benign or benign based on one or more of the following criteria: it is a conservative change, it occurs at a poorly conserved position in the protein, it is predicted to be benign by multiple in silico algorithms, and/or has population frequency not consistent with disease.

Laboratory for Molecular Medicine, Mass General Brigham Personalized Medicine
Classification: Benign. Last evaluated: 2012-02-07. Review status: criteria provided, single submitter. Criteria: LMM Criteria. Collection method: clinical testing. Allele origin: germline. Observed: 6 variant alleles.

Clinical Genetics, Academic Medical Center
Classification: Benign. Review status: no assertion criteria provided. Collection method: clinical testing. Allele origin: germline. Affected: yes. Study: VKGL Data-share Consensus. Not counted in ClinVar's aggregate classification.

Diagnostic Laboratory, Department of Genetics, University Medical Center Groningen
Classification: Likely benign for Arrhythmogenic right ventricular dysplasia 9. Review status: no assertion criteria provided. Collection method: clinical testing. Allele origin: germline. Affected: yes. Study: VKGL Data-share Consensus. Not counted in ClinVar's aggregate classification.